The following is an entry in ClinVar:

NM_183357.3(ADCY5):c.2506C>G (p.Leu836Val)

Gene: ADCY5 (adenylate cyclase 5; minus strand). Cytogenetic location: 3q21.1.
Variant type: single nucleotide variant.
Coding change: c.2506C>G on transcript NM_183357.3 (MANE Select); coding-DNA position 2506, C replaced by G.
Protein change: p.Leu836Val; replaces leucine 836 with valine.
Molecular consequence: missense variant.
Genome position (GRCh38, 1-based): chr3:123,304,120, G>C on the plus strand (C>G on the coding strand, the complement: ADCY5 is on the minus strand). VCF-style: chr3-123304120-G-C. GRCh37 (hg19) VCF-style: chr3-123022967-G-C.
Other names: c.1456C>G, p.Leu486Val (NM_001199642.1); c.2506C>G, p.Leu836Val (NM_001378259.1); short protein forms L486V, L836V.
Identifiers: ClinVar variation 3360865 (VCV003360865.1).

ClinVar aggregate classification (germline): Uncertain significance (1 of 4 stars; one submission).

gnomAD v4.1: 6 of 1,613,822 alleles (0.00037%); highest among the groups gnomAD compares: African/African-American, 0.008%; no homozygotes.

Submission:

GeneDx
Classification: Uncertain significance. Last evaluated: 2024-04-02. Review status: criteria provided, single submitter. Criteria: GeneDx Variant Classification Process June 2021. Collection method: clinical testing. Allele origin: germline. Affected: yes.
Comment: In silico analysis supports that this missense variant does not alter protein structure/function; Has not been previously published as pathogenic or benign to our knowledge